The following is an entry in ClinVar:

ClinVar aggregate classification (germline): Conflicting classifications of pathogenicity. Review status: criteria provided, conflicting classifications (1 of 4 stars). 2 submissions from 2 submitters: Likely pathogenic (1); Uncertain significance (1). Last evaluated 2022-10-18.

Conditions:
KBG syndrome (KBGS). Also called: ANKRD11-Related KBG Syndrome. Identifiers: Orphanet 2332, MedGen C0220687, MONDO:0007846, OMIM 148050.

Submissions (2):

GeneDx
Classification: Uncertain significance. Last evaluated: 2022-10-18. Review status: criteria provided, single submitter. Criteria: GeneDx Variant Classification Process June 2021. Collection method: clinical testing. Allele origin: germline. Affected: yes.
Comment: Not observed at significant frequency in large population cohorts (gnomAD); In silico analysis supports that this missense variant has a deleterious effect on protein structure/function; Has not been previously published as pathogenic or benign to our knowledge

Kasturba Medical College, Manipal, Kasturba Medical College, Manipal, Manipal Academy of Higher Education, Manipal, India
Classification: Likely pathogenic for KBG syndrome. Review status: criteria provided, single submitter. Criteria: ACMG Guidelines, 2015. Collection method: clinical testing. Allele origin: de novo. Inheritance: Autosomal dominant inheritance. Affected: yes. Observed: 1 heterozygote.

NM_013275.6(ANKRD11):c.7663T>C (p.Cys2555Arg)

Gene: ANKRD11 (ankyrin repeat domain 11; minus strand). Cytogenetic location: 16q24.3.
Variant type: single nucleotide variant.
Coding change: c.7663T>C on transcript NM_013275.6 (MANE Select); coding-DNA position 7663, T replaced by C.
Protein change: p.Cys2555Arg; replaces cysteine 2555 with arginine.
Molecular consequence: missense variant.
Genome position (GRCh38, 1-based): chr16:89,274,864, A>G on the plus strand (T>C on the coding strand, the complement: ANKRD11 is on the minus strand). VCF-style: chr16-89274864-A-G. GRCh37 (hg19) VCF-style: chr16-89341272-A-G.
Other names: c.7663T>C, p.Cys2555Arg (NM_001256182.2, NM_001256183.2); short protein forms C2555R.
Identifiers: ClinVar variation 2499885 (VCV002499885.2), dbSNP rs2544178749, ClinGen allele CA397147559.
Genomic context (GRCh38, chr16:89,274,864, plus strand): 5'-CGGGCCCTACCTGGCTCTCCAGGGGCATGTTGTAGACCTCGGAGTCCAGCAGCATCGTGC[A>G]GGCGCTGAATGGCACTGCCTGGTTGGCGATGGTCCTGGCCGCCCGGCAGTGAACCCGCAG-3'
Protein context (NP_037407.4, residues 2545-2565): IANQAVPFSA[Cys2555Arg]TMLLDSEVYN